The following is an entry in ClinVar:

ClinVar aggregate classification (germline): Uncertain significance. Review status: criteria provided, multiple submitters, no conflicts (2 of 4 stars). 3 submissions from 3 submitters: Uncertain significance (3). Last evaluated 2025-01-06.

Conditions:
Hereditary cancer-predisposing syndrome. Also called: Tumor predisposition; Neoplastic Syndromes, Hereditary; Hereditary Cancer Syndrome; Hereditary neoplastic syndrome. Identifiers: Orphanet 140162, MedGen C0027672, MeSH D009386, MONDO:0015356.

gnomAD v4.1: 1 of 1,546,918 alleles (0.000065%); highest among the groups gnomAD compares: Non-Finnish European, 0.000087%; no homozygotes.

Submissions (3):

Quest Diagnostics Nichols Institute San Juan Capistrano
Classification: Uncertain significance. Last evaluated: 2025-01-06. Review status: criteria provided, single submitter. Criteria: Quest Diagnostics criteria. Collection method: clinical testing. Allele origin: unknown.
Comment: The FH c.11C>T (p.Ala4Val) variant has not been reported in individuals with FH-related conditions in the published literature. It also has not been reported in large, multi-ethnic general populations (Genome Aggregation Database). Analysis of this variant using bioinformatics tools for the prediction of the effect of amino acid changes on protein structure and function yielded predictions that this variant is benign. Based on the available information, we are unable to determine the clinical significance of this variant.

Ambry Genetics
Classification: Uncertain significance for Hereditary cancer-predisposing syndrome. Last evaluated: 2024-06-27. Review status: criteria provided, single submitter. Criteria: Ambry Variant Classification Scheme 2023. Collection method: clinical testing. Allele origin: germline.
Comment: The p.A4V variant (also known as c.11C>T), located in coding exon 1 of the FH gene, results from a C to T substitution at nucleotide position 11. The alanine at codon 4 is replaced by valine, an amino acid with similar properties. This amino acid position is not well conserved in available vertebrate species. In addition, the in silico prediction for this alteration is inconclusive. Based on the available evidence, the clinical significance of this variant remains unclear.

Labcorp Genetics (formerly Invitae), Labcorp
Classification: Uncertain significance. Last evaluated: 2024-03-01. Review status: criteria provided, single submitter. Criteria: Invitae Variant Classification Sherloc (09022015). Collection method: clinical testing. Allele origin: germline.
Comment: This sequence change replaces alanine, which is neutral and non-polar, with valine, which is neutral and non-polar, at codon 4 of the FH protein (p.Ala4Val). This variant is not present in population databases (gnomAD no frequency). This variant has not been reported in the literature in individuals affected with FH-related conditions. Advanced modeling of protein sequence and biophysical properties (such as structural, functional, and spatial information, amino acid conservation, physicochemical variation, residue mobility, and thermodynamic stability) performed at Invitae indicates that this missense variant is not expected to disrupt FH protein function with a negative predictive value of 95%. In summary, the available evidence is currently insufficient to determine the role of this variant in disease. Therefore, it has been classified as a Variant of Uncertain Significance.

NM_000143.4(FH):c.11C>T (p.Ala4Val)

Gene: FH (fumarate hydratase; minus strand). Cytogenetic location: 1q43.
Variant type: single nucleotide variant.
Coding change: c.11C>T on transcript NM_000143.4 (MANE Select); coding-DNA position 11, C replaced by T.
Protein change: p.Ala4Val; replaces alanine 4 with valine.
Molecular consequence: missense variant.
Genome position (GRCh38, 1-based): chr1:241,519,712, G>A on the plus strand (C>T on the coding strand, the complement: FH is on the minus strand). VCF-style: chr1-241519712-G-A. GRCh37 (hg19) VCF-style: chr1-241683012-G-A.
Other names: short protein forms A4V.
Identifiers: ClinVar variation 3515075 (VCV003515075.4).